The following is an entry in ClinVar:

NM_003002.4(SDHD):c.13T>C (p.Trp5Arg)

Genes: SDHD (succinate dehydrogenase complex subunit D; plus strand), LOC126861339 (BRD4-independent group 4 enhancer GRCh37_chr11:111957035-111958234; plus strand). Cytogenetic location: 11q23.1.
Variant type: single nucleotide variant.
Coding change: c.13T>C on transcript NM_003002.4 (MANE Select); coding-DNA position 13, T replaced by C.
Protein change: p.Trp5Arg; replaces tryptophan 5 with arginine.
Molecular consequence: missense variant. On other transcripts: non-coding transcript variant (1).
Genome position (GRCh38, 1-based): chr11:112,086,920, T>C. VCF-style: chr11-112086920-T-C. GRCh37 (hg19) VCF-style: chr11-111957644-T-C.
Other names: c.13T>C, p.Trp5Arg (NM_001276503.2, NM_001276504.2, NM_001276506.2); short protein forms W5R.
Identifiers: ClinVar variation 412514 (VCV000412514.11), dbSNP rs778202647, ClinGen allele CA070681.
Genomic context (GRCh38, chr11:112,086,920, plus strand): 5'-CCTAAGTGGTTCCGGGTTGGTGGATGACCTTGAGCCCTCAGGAACGAGATGGCGGTTCTC[T>C]GGAGGCTGAGTGCCGTTTGCGGTGCCCTAGGAGGCCGAGGTGAGGGGTCTTCCCACCCTG-3'
Protein context (NP_002993.1, residues 1-15): MAVL[Trp5Arg]RLSAVCGALG

ClinVar aggregate classification (germline): Uncertain significance. Review status: criteria provided, multiple submitters, no conflicts (2 of 4 stars). 2 submissions from 2 submitters: Uncertain significance (2). Last evaluated 2026-01-05.

Conditions:
Pheochromocytoma. Also called: MAX-Related Hereditary Paraganglioma-Pheochromocytoma Syndrome. Identifiers: Orphanet 29072, MedGen C0031511, MONDO:0008233, OMIM 171300, HP:0002666.
Carney-Stratakis syndrome. Also called: PARAGANGLIOMA AND GASTROINTESTINAL STROMAL TUMOR. Identifiers: Orphanet 97286, MedGen C1847319, MONDO:0011740, OMIM 606864.
Paragangliomas with sensorineural hearing loss. Identifiers: MedGen C1868633.
Cowden syndrome 3 (CWS3). Identifiers: Orphanet 201, MedGen CN166604, MONDO:0014045.
Hereditary cancer-predisposing syndrome. Also called: Neoplastic Syndromes, Hereditary; Tumor predisposition; Hereditary Cancer Syndrome; Hereditary neoplastic syndrome. Identifiers: Orphanet 140162, MedGen C0027672, MeSH D009386, MONDO:0015356.

Allele frequency attached by ClinVar (database versions not stated): gnomAD exomes below 0.00001 and 0.00001; ExAC 0.00002.
gnomAD v4.1: 2 of 1,614,234 alleles (0.00012%); highest among the groups gnomAD compares: Non-Finnish European, 0.00017%; no homozygotes.

Submissions (2):

Labcorp Genetics (formerly Invitae), Labcorp
Classification: Uncertain significance for Carney-Stratakis syndrome; Paragangliomas with sensorineural hearing loss; Pheochromocytoma; Cowden syndrome 3. Last evaluated: 2026-01-05. Review status: criteria provided, single submitter. Criteria: Invitae Variant Classification Sherloc (09022015). Collection method: clinical testing. Allele origin: germline.
Comment: This sequence change replaces tryptophan, which is neutral and slightly polar, with arginine, which is basic and polar, at codon 5 of the SDHD protein (p.Trp5Arg). This variant is present in population databases (rs778202647, gnomAD 0.002%). This variant has not been reported in the literature in individuals affected with SDHD-related conditions. ClinVar contains an entry for this variant (Variation ID: 412514). Invitae Evidence Modeling of protein sequence and biophysical properties (such as structural, functional, and spatial information, amino acid conservation, physicochemical variation, residue mobility, and thermodynamic stability) indicates that this missense variant is not expected to disrupt SDHD protein function with a negative predictive value of 95%. In summary, the available evidence is currently insufficient to determine the role of this variant in disease. Therefore, it has been classified as a Variant of Uncertain Significance.

Ambry Genetics
Classification: Uncertain significance for Hereditary cancer-predisposing syndrome. Last evaluated: 2019-07-23. Review status: criteria provided, single submitter. Criteria: Ambry Variant Classification Scheme 2023. Collection method: clinical testing. Allele origin: germline.
Comment: The p.W5R variant (also known as c.13T>C), located in coding exon 1 of the SDHD gene, results from a T to C substitution at nucleotide position 13. The tryptophan at codon 5 is replaced by arginine, an amino acid with dissimilar properties. This amino acid position is not well conserved in available vertebrate species. In addition, the in silico prediction for this alteration is inconclusive. Since supporting evidence is limited at this time, the clinical significance of this alteration remains unclear.